The following is an entry in ClinVar:

ClinVar aggregate classification (germline): Conflicting classifications of pathogenicity. Review status: criteria provided, conflicting classifications (1 of 4 stars). 5 submissions from 5 submitters: Uncertain significance (2); Likely benign (3). Last evaluated 2026-08-31.

Conditions:
MYO15A-related disorder. Also called: MYO15A-related condition.
Autosomal recessive nonsyndromic hearing loss 3. Also called: NEUROSENSORY NONSYNDROMIC RECESSIVE DEAFNESS 3. Identifiers: Orphanet 90636, MedGen C1838263, MONDO:0010860, OMIM 600316.

Allele frequency attached by ClinVar (database versions not stated): ESP Exome Variant Server 0.00016; gnomAD exomes 0.00017; TOPMed 0.00020; gnomAD 0.00023 and 0.00025; ExAC 0.00028.
gnomAD v4.1: 581 of 1,591,148 alleles (0.037%); highest among the groups gnomAD compares: Non-Finnish European, 0.048%; no homozygotes.

Submissions (5):

PreventionGenetics, part of Exact Sciences
Classification: Likely benign for MYO15A-related condition. Last evaluated: 2026-08-31. Review status: criteria provided, single submitter. Criteria: ACMG Guidelines, 2015. Collection method: clinical testing. Allele origin: germline.
Comment: This variant is classified as likely benign based on ACMG/AMP sequence variant interpretation guidelines (Richards et al. 2015 PMID: 25741868, with internal and published modifications).

Labcorp Genetics (formerly Invitae), Labcorp
Classification: Likely benign. Last evaluated: 2024-10-30. Review status: criteria provided, single submitter. Criteria: Invitae Variant Classification Sherloc (09022015). Collection method: clinical testing. Allele origin: germline.

Illumina Laboratory Services, Illumina
Classification: Uncertain significance for Autosomal recessive nonsyndromic hearing loss 3. Last evaluated: 2018-01-12. Review status: criteria provided, single submitter. Criteria: ICSL Variant Classification Criteria 13 December 2019. Collection method: clinical testing. Allele origin: germline.

GeneDx
Classification: Likely benign. Last evaluated: 2017-11-17. Review status: criteria provided, single submitter. Criteria: GeneDx Variant Classification (06012015). Collection method: clinical testing. Allele origin: germline. Affected: yes.
Comment: This variant is considered likely benign or benign based on one or more of the following criteria: it is a conservative change, it occurs at a poorly conserved position in the protein, it is predicted to be benign by multiple in silico algorithms, and/or has population frequency not consistent with disease.

CeGaT Center for Human Genetics Tuebingen
Classification: Uncertain significance. Last evaluated: 2016-10-01. Review status: criteria provided, single submitter. Criteria: CeGaT Center For Human Genetics Tuebingen Variant Classification Criteria Version 2. Collection method: clinical testing. Allele origin: germline. Affected: yes. Observed: 1 variant allele.

NM_016239.4(MYO15A):c.7396-8C>G

Gene: MYO15A (myosin XVA; plus strand). Cytogenetic location: 17p11.2.
Variant type: single nucleotide variant.
Coding change: c.7396-8C>G on transcript NM_016239.4 (MANE Select); 8 bases into the intron before coding-DNA position 7396, C replaced by G.
Molecular consequence: intron variant.
Genome position (GRCh38, 1-based): chr17:18,150,828, C>G. VCF-style: chr17-18150828-C-G. GRCh37 (hg19) VCF-style: chr17-18054142-C-G.
Identifiers: ClinVar variation 322159 (VCV000322159.56), dbSNP rs370351502, ClinGen allele CA8424831.